The following is an entry in ClinVar:

NM_000271.5(NPC1):c.1901A>T (p.Tyr634Phe)

Gene: NPC1 (NPC intracellular cholesterol transporter 1; minus strand). Cytogenetic location: 18q11.2.
Variant type: single nucleotide variant.
Coding change: c.1901A>T on transcript NM_000271.5 (MANE Select); coding-DNA position 1901, A replaced by T.
Protein change: p.Tyr634Phe; replaces tyrosine 634 with phenylalanine.
Molecular consequence: missense variant.
Genome position (GRCh38, 1-based): chr18:23,545,006, T>A on the plus strand (A>T on the coding strand, the complement: NPC1 is on the minus strand). VCF-style: chr18-23545006-T-A. GRCh37 (hg19) VCF-style: chr18-21124970-T-A.
Other names: short protein forms Y634F.
Identifiers: ClinVar variation 1019102 (VCV001019102.13), dbSNP rs202140203, ClinGen allele CA401772234.

ClinVar aggregate classification (germline): Pathogenic/Likely pathogenic. Review status: criteria provided, multiple submitters, no conflicts (2 of 4 stars). 2 submissions from 2 submitters: Pathogenic (1); Likely pathogenic (1). Last evaluated 2025-10-10.

Conditions:
Niemann-Pick disease, type C1. Also called: NEUROVISCERAL STORAGE DISEASE WITH VERTICAL SUPRANUCLEAR OPHTHALMOPLEGIA; NIEMANN-PICK DISEASE WITH CHOLESTEROL ESTERIFICATION BLOCK; NIEMANN-PICK DISEASE WITHOUT SPHINGOMYELINASE DEFICIENCY; NIEMANN-PICK DISEASE, CHRONIC NEURONOPATHIC FORM; NIEMANN-PICK DISEASE, VARIANT TYPE C1. Identifiers: Orphanet 646, MedGen C3179455, MONDO:0009757, OMIM 257220.
Niemann-Pick disease, type C (NPC). Identifiers: Orphanet 646, MedGen C0220756, MONDO:0018982.

Allele frequency attached by ClinVar (database versions not stated): TOPMed 0.00001.
gnomAD v4.1: 2 of 1,542,408 alleles (0.00013%); highest among the groups gnomAD compares: African/African-American, 0.0028%; no homozygotes.

Submissions (2):

Labcorp Genetics (formerly Invitae), Labcorp
Classification: Pathogenic for Niemann-Pick disease, type C1. Last evaluated: 2025-10-10. Review status: criteria provided, single submitter. Criteria: Invitae Variant Classification Sherloc (09022015). Collection method: clinical testing. Allele origin: germline.
Comment: This sequence change replaces tyrosine, which is neutral and polar, with phenylalanine, which is neutral and non-polar, at codon 634 of the NPC1 protein (p.Tyr634Phe). This variant is not present in population databases (gnomAD no frequency). This missense change has been observed in individual(s) with clinical features of Niemann-Pick Type C (internal data). ClinVar contains an entry for this variant (Variation ID: 1019102). Invitae Evidence Modeling of protein sequence and biophysical properties (such as structural, functional, and spatial information, amino acid conservation, physicochemical variation, residue mobility, and thermodynamic stability) indicates that this missense variant is expected to disrupt NPC1 protein function with a positive predictive value of 95%. This variant disrupts the p.Tyr634 amino acid residue in NPC1. Other variant(s) that disrupt this residue have been determined to be pathogenic (PMID: 10419504, 19252935, 24891511, 32138288). This suggests that this residue is clinically significant, and that variants that disrupt this residue are likely to be disease-causing. For these reasons, this variant has been classified as Pathogenic.

Women's Health and Genetics/Laboratory Corporation of America, LabCorp
Classification: Likely pathogenic for Niemann-Pick disease, type C. Last evaluated: 2025-07-11. Review status: criteria provided, single submitter. Criteria: LabCorp Variant Classification Summary - May 2015. Collection method: clinical testing. Allele origin: germline.
Comment: Variant summary: NPC1 c.1901A>T (p.Tyr634Phe) results in a conservative amino acid change located in the Sterol-sensing domain (IPR000731) of the encoded protein sequence. Algorithms developed to predict the effect of missense changes on protein structure and function are either unavailable or do not agree on the potential impact of this missense change. The variant was absent in 251366 control chromosomes. c.1901A>T has been observed in individuals affected with Niemann-Pick Disease Type C (LCG internal data). These data indicate that the variant may be associated with disease. A different variant affecting the same codon has been classified as likely pathogenic/pathogenic by our lab (c.1901A>G, p.Tyr634Cys), supporting the critical relevance of codon 634 to NPC1 protein function. To our knowledge, no experimental evidence demonstrating an impact on protein function has been reported. ClinVar contains an entry for this variant (Variation ID: 1019102). Based on the evidence outlined above, the variant was classified as likely pathogenic.

Literature cited by the submitters: PubMed 10419504 (cited by Labcorp Genetics (formerly Invitae), Labcorp); PubMed 19252935 (cited by Labcorp Genetics (formerly Invitae), Labcorp); PubMed 24891511 (cited by Labcorp Genetics (formerly Invitae), Labcorp); PubMed 32138288 (cited by Labcorp Genetics (formerly Invitae), Labcorp).